The following is an entry in ClinVar:

ClinVar aggregate classification (germline): Uncertain significance (1 of 4 stars; one submission).

Conditions:
Spinocerebellar ataxia type 42. Identifiers: Orphanet 458803, MedGen C4225205, MONDO:0014776, OMIM 616795.

Submission:

3billion
Classification: Uncertain significance for Spinocerebellar ataxia type 42. Last evaluated: 2024-09-25. Review status: criteria provided, single submitter. Criteria: ACMG Guidelines, 2015. Collection method: clinical testing. Allele origin: germline. Affected: yes.
Comment: The variant is not observed in the gnomAD v4.0.0 dataset. Predicted Consequence/Location: Missense variant. Missense changes are a common disease-causing mechanism. Therefore, this variant is classified as VUS according to the recommendation of ACMG/AMP guideline.

NM_018896.5(CACNA1G):c.1544_1545delinsTT (p.Pro515Leu)

Gene: CACNA1G (calcium voltage-gated channel subunit alpha1 G; plus strand). Cytogenetic location: 17q21.33.
Variant type: Indel.
Coding change: c.1544_1545delinsTT on transcript NM_018896.5 (MANE Select); coding-DNA positions 1544 to 1545, CC replaced by TT.
Protein change: p.Pro515Leu; replaces proline 515 with leucine.
Molecular consequence: missense variant. On other transcripts: non-coding transcript variant (5).
Genome position (GRCh38, 1-based): chr17:50,575,946-50,575,947, CC replaced by TT. VCF-style: chr17-50575946-CC-TT. GRCh37 (hg19) VCF-style: chr17-48653307-CC-TT.
Other names: c.1544_1545delinsTT, p.Pro515Leu (NM_001256324.2, NM_001256325.2, NM_001256326.2 and 24 more transcripts); short protein forms P515L.
Identifiers: ClinVar variation 4293077 (VCV004293077.1).